The following is an entry in ClinVar:

ClinVar aggregate classification (germline): Uncertain significance. Review status: criteria provided, multiple submitters, no conflicts (2 of 4 stars). 2 submissions from 2 submitters: Uncertain significance (2). Last evaluated 2021-10-07.

Conditions:
Hermansky-Pudlak syndrome 2 (HPS2). Also called: Platelet defects and oculocutaneous albinism. Identifiers: Orphanet 183678, Orphanet 79430, MedGen C1842362, MONDO:0011997, OMIM 608233.

gnomAD v4.1: 1 of 1,612,406 alleles (0.000062%); no homozygotes.

Submissions (2):

Fulgent Genetics
Classification: Uncertain significance for Hermansky-Pudlak syndrome 2. Last evaluated: 2021-10-07. Review status: criteria provided, single submitter. Criteria: ACMG Guidelines, 2015. Collection method: clinical testing. Allele origin: unknown.

Labcorp Genetics (formerly Invitae), Labcorp
Classification: Uncertain significance for Hermansky-Pudlak syndrome 2. Last evaluated: 2021-06-22. Review status: criteria provided, single submitter. Criteria: Invitae Variant Classification Sherloc (09022015). Collection method: clinical testing. Allele origin: germline.
Comment: In summary, the available evidence is currently insufficient to determine the role of this variant in disease. Therefore, it has been classified as a Variant of Uncertain Significance. Algorithms developed to predict the effect of sequence changes on RNA splicing suggest that this variant may create or strengthen a splice site, but this prediction has not been confirmed by published transcriptional studies. Algorithms developed to predict the effect of missense changes on protein structure and function are either unavailable or do not agree on the potential impact of this missense change (SIFT: "Deleterious"; PolyPhen-2: "Benign"; Align-GVGD: "Class C0"). This variant has not been reported in the literature in individuals with AP3B1-related conditions. This variant is not present in population databases (ExAC no frequency). This sequence change replaces aspartic acid with glycine at codon 277 of the AP3B1 protein (p.Asp277Gly). The aspartic acid residue is moderately conserved and there is a moderate physicochemical difference between aspartic acid and glycine.

NM_003664.5(AP3B1):c.830A>G (p.Asp277Gly)

Gene: AP3B1 (adaptor related protein complex 3 subunit beta 1; minus strand). Cytogenetic location: 5q14.1.
Variant type: single nucleotide variant.
Coding change: c.830A>G on transcript NM_003664.5 (MANE Select); coding-DNA position 830, A replaced by G.
Protein change: p.Asp277Gly; replaces aspartic acid 277 with glycine.
Molecular consequence: missense variant.
Genome position (GRCh38, 1-based): chr5:78,181,619, T>C on the plus strand (A>G on the coding strand, the complement: AP3B1 is on the minus strand). VCF-style: chr5-78181619-T-C. GRCh37 (hg19) VCF-style: chr5-77477443-T-C.
Other names: c.683A>G, p.Asp228Gly (NM_001271769.2); short protein forms D228G, D277G.
Identifiers: ClinVar variation 1500268 (VCV001500268.8), dbSNP rs147761913, ClinGen allele CA121094707.